The following is an entry in ClinVar:

ClinVar aggregate classification (germline): Uncertain significance (1 of 4 stars; one submission).

Allele frequency attached by ClinVar (database versions not stated): gnomAD 0.00001; gnomAD exomes 0.00001; ExAC 0.00002; TOPMed 0.00003.

Submission:

Labcorp Genetics (formerly Invitae), Labcorp
Classification: Uncertain significance. Last evaluated: 2021-08-27. Review status: criteria provided, single submitter. Criteria: Invitae Variant Classification Sherloc (09022015). Collection method: clinical testing. Allele origin: germline.
Comment: This sequence change replaces arginine with histidine at codon 219 of the DGAT1 protein (p.Arg219His). The arginine residue is highly conserved and there is a small physicochemical difference between arginine and histidine. This variant is present in population databases (rs782303747, ExAC 0.003%). This variant has not been reported in the literature in individuals affected with DGAT1-related conditions. Algorithms developed to predict the effect of missense changes on protein structure and function are either unavailable or do not agree on the potential impact of this missense change (SIFT: "Tolerated"; PolyPhen-2: "Probably Damaging"; Align-GVGD: "Class C0"). In summary, the available evidence is currently insufficient to determine the role of this variant in disease. Therefore, it has been classified as a Variant of Uncertain Significance.

NM_012079.6(DGAT1):c.656G>A (p.Arg219His)

Gene: DGAT1 (diacylglycerol O-acyltransferase 1; minus strand). Cytogenetic location: 8q24.3.
Variant type: single nucleotide variant.
Coding change: c.656G>A on transcript NM_012079.6 (MANE Select); coding-DNA position 656, G replaced by A.
Protein change: p.Arg219His; replaces arginine 219 with histidine.
Molecular consequence: missense variant.
Genome position (GRCh38, 1-based): chr8:144,318,281, C>T on the plus strand (G>A on the coding strand, the complement: DGAT1 is on the minus strand). VCF-style: chr8-144318281-C-T. GRCh37 (hg19) VCF-style: chr8-145541944-C-T.
Other names: short protein forms R219H.
Identifiers: ClinVar variation 1425719 (VCV001425719.5), dbSNP rs782303747, ClinGen allele CA4936930.